The following is an entry in ClinVar:

ClinVar aggregate classification (germline): Pathogenic (1 of 4 stars; one submission).

Allele frequency attached by ClinVar (database versions not stated): gnomAD exomes below 0.00001.
gnomAD v4.1: 1 of 1,611,388 alleles (0.000062%); highest among the groups gnomAD compares: Non-Finnish European, 0.000085%; no homozygotes.

Submission:

Labcorp Genetics (formerly Invitae), Labcorp
Classification: Pathogenic. Last evaluated: 2025-08-04. Review status: criteria provided, single submitter. Criteria: Invitae Variant Classification Sherloc (09022015). Collection method: clinical testing. Allele origin: germline.
Comment: This sequence change creates a premature translational stop signal (p.Gln1547*) in the TUBGCP6 gene. It is expected to result in an absent or disrupted protein product. Loss-of-function variants in TUBGCP6 are known to be pathogenic (PMID: 25344692). The frequency data for this variant in the population databases is considered unreliable, as metrics indicate poor data quality at this position in the gnomAD database. This variant has not been reported in the literature in individuals affected with TUBGCP6-related conditions. ClinVar contains an entry for this variant (Variation ID: 1454258). For these reasons, this variant has been classified as Pathogenic.

Literature cited by the submitters: PubMed 25344692.

NM_020461.4(TUBGCP6):c.4639C>T (p.Gln1547Ter)

Gene: TUBGCP6 (tubulin gamma complex component 6; minus strand). Cytogenetic location: 22q13.33.
Variant type: single nucleotide variant.
Coding change: c.4639C>T on transcript NM_020461.4 (MANE Select); coding-DNA position 4639, C replaced by T.
Protein change: p.Gln1547Ter; replaces glutamine 1547 with a stop codon.
Molecular consequence: nonsense.
Genome position (GRCh38, 1-based): chr22:50,218,885, G>A on the plus strand (C>T on the coding strand, the complement: TUBGCP6 is on the minus strand). VCF-style: chr22-50218885-G-A. GRCh37 (hg19) VCF-style: chr22-50657314-G-A.
Other names: short protein forms Q1547*.
Identifiers: ClinVar variation 1454258 (VCV001454258.6), dbSNP rs1244829942, ClinGen allele CA412169303.